The following is an entry in ClinVar:

NM_000834.5(GRIN2B):c.2813G>A (p.Arg938His)

Gene: GRIN2B (glutamate ionotropic receptor NMDA type subunit 2B; minus strand). Cytogenetic location: 12p13.1.
Variant type: single nucleotide variant.
Coding change: c.2813G>A on transcript NM_000834.5 (MANE Select); coding-DNA position 2813, G replaced by A.
Protein change: p.Arg938His; replaces arginine 938 with histidine.
Molecular consequence: missense variant.
Genome position (GRCh38, 1-based): chr12:13,564,425, C>T on the plus strand (G>A on the coding strand, the complement: GRIN2B is on the minus strand). VCF-style: chr12-13564425-C-T. GRCh37 (hg19) VCF-style: chr12-13717359-C-T.
Other names: short protein forms R938H.
Identifiers: ClinVar variation 388312 (VCV000388312.16), dbSNP rs150445188, ClinGen allele CA6460979.

ClinVar aggregate classification (germline): Likely benign. Review status: criteria provided, multiple submitters, no conflicts (2 of 4 stars). 4 submissions from 4 submitters: Likely benign (4). Last evaluated 2025-12-21.

Conditions:
Intellectual developmental disorder, autosomal dominant 6, with or without seizures. Also called: GRIN2B-related developmental delay, intellectual disability and autism spectrum disorder; Intellectual disability, autosomal dominant 6. Identifiers: Orphanet 589547, MedGen C3151411, MONDO:0013509, OMIM 613970.
Developmental and epileptic encephalopathy, 27 (DEE27). Also called: Epileptic encephalopathy, early infantile, 27; GRIN2B-Related Neurodevelopmental Disorder. Identifiers: Orphanet 3451, MedGen C4015316, MONDO:0014505, OMIM 616139.
GRIN2B-related disorder. Also called: GRIN2B-related condition.
Inborn genetic diseases. Identifiers: MedGen C0950123, MeSH D030342.

Allele frequency attached by ClinVar (database versions not stated): ExAC 0.00007; 1000 Genomes Project 30x 0.00078; gnomAD 0.00017 and 0.00019; gnomAD exomes 0.00002 and 0.00005; TOPMed 0.00027; ESP Exome Variant Server 0.00031; 1000 Genomes Project 0.00060.
gnomAD v4.1: 50 of 1,614,224 alleles (0.0031%); highest among the groups gnomAD compares: African/African-American, 0.057%; no homozygotes.

Submissions (4):

Labcorp Genetics (formerly Invitae), Labcorp
Classification: Likely benign for Developmental and epileptic encephalopathy, 27; Intellectual developmental disorder, autosomal dominant 6, with or without seizures. Last evaluated: 2025-12-21. Review status: criteria provided, single submitter. Criteria: Invitae Variant Classification Sherloc (09022015). Collection method: clinical testing. Allele origin: germline.

PreventionGenetics, part of Exact Sciences
Classification: Likely benign for GRIN2B-related condition. Last evaluated: 2025-02-26. Review status: criteria provided, single submitter. Criteria: ACMG Guidelines, 2015. Collection method: clinical testing. Allele origin: germline.
Comment: This variant is classified as likely benign based on ACMG/AMP sequence variant interpretation guidelines (Richards et al. 2015 PMID: 25741868, with internal and published modifications).

Ambry Genetics
Classification: Likely benign for Inborn genetic diseases. Last evaluated: 2021-08-10. Review status: criteria provided, single submitter. Criteria: Ambry Variant Classification Scheme 2023. Collection method: clinical testing. Allele origin: germline.

GeneDx
Classification: Likely benign. Last evaluated: 2021-05-11. Review status: criteria provided, single submitter. Criteria: GeneDx Variant Classification Process June 2021. Collection method: clinical testing. Allele origin: germline. Affected: yes.